The following is an entry in ClinVar:

ClinVar aggregate classification (germline): Likely pathogenic. Review status: criteria provided, multiple submitters, no conflicts (2 of 4 stars). 2 submissions from 2 submitters: Likely pathogenic (2). Last evaluated 2023-05-08.

Conditions:
Cardiovascular phenotype. Identifiers: MedGen CN230736.
Dilated cardiomyopathy 1G (CMD1G). Identifiers: Orphanet 154, MedGen C1858763, MONDO:0011400, OMIM 604145.
Autosomal recessive limb-girdle muscular dystrophy type 2J (LGMDR10). Also called: Limb-girdle muscular dystrophy, type 2J; MUSCULAR DYSTROPHY, LIMB-GIRDLE, AUTOSOMAL RECESSIVE 10. Identifiers: Orphanet 140922, MedGen C1837342, MONDO:0012127, OMIM 608807.

Submissions (2):

Ambry Genetics
Classification: Likely pathogenic for Cardiovascular phenotype. Last evaluated: 2023-05-08. Review status: criteria provided, single submitter. Criteria: Ambry Variant Classification Scheme 2023. Collection method: clinical testing. Allele origin: germline.
Comment: The c.69487dupT variant, located in coding exon 174 of the TTN gene, results from a duplication of T at nucleotide position 69487, causing a translational frameshift with a predicted alternate stop codon (p.Y23163Lfs*5). This exon is located in the A-band region of the N2-B isoform of the titin protein and is constitutively expressed in TTN transcripts (percent spliced in or PSI 100%). This variant is considered to be rare based on population cohorts in the Genome Aggregation Database (gnomAD). This alteration is expected to result in loss of function by premature protein truncation or nonsense-mediated mRNA decay. While truncating variants in TTN are present in 1-3% of the general population, truncating variants in the A-band are the most common cause of dilated cardiomyopathy (DCM) (Herman DS et al. N. Engl. J. Med., 2012 Feb;366:619-28; Roberts AM et al. Sci Transl Med, 2015 Jan;7:270ra6). TTN truncating variants encoded in constitutive exons (PSI >90%) have been found to be significantly associated with DCM regardless of their position in titin (Schafer S et al. Nat. Genet., 2017 01;49:46-53). Based on the majority of available evidence to date, this variant is likely to be pathogenic.

Labcorp Genetics (formerly Invitae), Labcorp
Classification: Likely pathogenic for Dilated cardiomyopathy 1G; Autosomal recessive limb-girdle muscular dystrophy type 2J. Last evaluated: 2020-10-28. Review status: criteria provided, single submitter. Criteria: Invitae Variant Classification Sherloc (09022015). Collection method: clinical testing. Allele origin: germline.
Comment: In summary, the currently available evidence indicates that the variant is pathogenic, but additional data are needed to prove that conclusively. Therefore, this variant has been classified as Likely Pathogenic. This variant is located in the A band of TTN (PMID: 25589632). Truncating variants in this region are significantly overrepresented in patients affected with dilated cardiomyopathy (PMID: 25589632). Truncating variants in this region have also been reported in individuals affected with autosomal recessive centronuclear myopathy (PMID: 23975875). This variant has not been reported in the literature in individuals with TTN-related conditions. This variant is not present in population databases (ExAC no frequency). This sequence change creates a premature translational stop signal (p.Tyr32228Leufs*5) in the TTN gene. While this is not anticipated to result in nonsense mediated decay, it is expected to create a truncated TTN protein.

Literature cited by the submitters: PubMed 25589632 (cited by Labcorp Genetics (formerly Invitae), Labcorp); PubMed 23975875 (cited by Labcorp Genetics (formerly Invitae), Labcorp).

NM_001267550.2(TTN):c.96682dup (p.Tyr32228fs)

Genes: TTN-AS1 (TTN antisense RNA 1; plus strand), TTN (titin; minus strand), LOC126806421 (CDK7 strongly-dependent group 2 enhancer GRCh37_chr2:179407630-179408829; plus strand). Cytogenetic location: 2q31.2.
Variant type: Duplication.
Coding change: c.96682dup on transcript NM_001267550.2 (MANE Select); coding-DNA position 96682, one base duplicated (T; older notation c.96682dupT).
Protein change: p.Tyr32228fs; shifts the reading frame from tyrosine 32228.
Molecular consequence: frameshift variant.
Genome position (GRCh38, 1-based): chr2:178,543,291, A duplicated on the plus strand (T on the coding strand, the reverse complement: TTN is on the minus strand). VCF-style (leftmost placement, unchanged base first): chr2-178543290-T-TA. GRCh37 (hg19) VCF-style: chr2-179408017-T-TA.
Other names: c.69487dupT (NM_003319.4); c.91759dup, p.Tyr30587fs (NM_001256850.1); c.69487dup, p.Tyr23163fs (NM_003319.4); c.88978dup, p.Tyr29660fs (NM_133378.4); c.69862dup, p.Tyr23288fs (NM_133432.3); c.70063dup, p.Tyr23355fs (NM_133437.4); short protein forms Y23163fs, Y23288fs, Y23355fs, Y29660fs, Y30587fs, Y32228fs.
Identifiers: ClinVar variation 1066247 (VCV001066247.11), dbSNP rs2154143418, ClinGen allele CA2499215290.